The following is an entry in ClinVar:

NM_006231.4(POLE):c.1624G>A (p.Gly542Ser)

Gene: POLE (DNA polymerase epsilon, catalytic subunit; minus strand). Cytogenetic location: 12q24.33.
Variant type: single nucleotide variant.
Coding change: c.1624G>A on transcript NM_006231.4 (MANE Select); coding-DNA position 1624, G replaced by A.
Protein change: p.Gly542Ser; replaces glycine 542 with serine.
Molecular consequence: missense variant.
Genome position (GRCh38, 1-based): chr12:132,672,689, C>T on the plus strand (G>A on the coding strand, the complement: POLE is on the minus strand). VCF-style: chr12-132672689-C-T. GRCh37 (hg19) VCF-style: chr12-133249275-C-T.
Other names: short protein forms G542S.
Identifiers: ClinVar variation 3643422 (VCV003643422.2).

ClinVar aggregate classification (germline): Uncertain significance (1 of 4 stars; one submission).

Submission:

Labcorp Genetics (formerly Invitae), Labcorp
Classification: Uncertain significance. Last evaluated: 2024-02-26. Review status: criteria provided, single submitter. Criteria: Invitae Variant Classification Sherloc (09022015). Collection method: clinical testing. Allele origin: germline.
Comment: This sequence change replaces glycine, which is neutral and non-polar, with serine, which is neutral and polar, at codon 542 of the POLE protein (p.Gly542Ser). This variant is not present in population databases (gnomAD no frequency). This variant has not been reported in the literature in individuals affected with POLE-related conditions. Advanced modeling of protein sequence and biophysical properties (such as structural, functional, and spatial information, amino acid conservation, physicochemical variation, residue mobility, and thermodynamic stability) performed at Invitae indicates that this missense variant is expected to disrupt POLE protein function with a positive predictive value of 80%. In summary, the available evidence is currently insufficient to determine the role of this variant in disease. Therefore, it has been classified as a Variant of Uncertain Significance.